The following is an entry in ClinVar:

NM_001267550.2(TTN):c.62317C>A (p.Leu20773Met)

Genes: TTN (titin; minus strand), TTN-AS1 (TTN antisense RNA 1; plus strand). Cytogenetic location: 2q31.2.
Variant type: single nucleotide variant.
Coding change: c.62317C>A on transcript NM_001267550.2 (MANE Select); coding-DNA position 62317, C replaced by A.
Protein change: p.Leu20773Met; replaces leucine 20773 with methionine.
Molecular consequence: missense variant.
Genome position (GRCh38, 1-based): chr2:178,589,408, G>T on the plus strand (C>A on the coding strand, the complement: TTN is on the minus strand). VCF-style: chr2-178589408-G-T. GRCh37 (hg19) VCF-style: chr2-179454135-G-T.
Other names: p.L18205M:CTG>ATG; c.57394C>A, p.Leu19132Met (NM_001256850.1); c.35122C>A, p.Leu11708Met (NM_003319.4); c.54613C>A, p.Leu18205Met (NM_133378.4); c.35497C>A, p.Leu11833Met (NM_133432.3); c.35698C>A, p.Leu11900Met (NM_133437.4); short protein forms L18205M, L20773M, L19132M, L11900M, L11708M, L11833M.
Identifiers: ClinVar variation 202316 (VCV000202316.32), dbSNP rs375173874, ClinGen allele CA309064.

ClinVar aggregate classification (germline): Conflicting classifications of pathogenicity. Review status: criteria provided, conflicting classifications (1 of 4 stars). 9 submissions from 9 submitters: Uncertain significance (4); Likely benign (5). Last evaluated 2026-03-26.

Conditions:
Dilated cardiomyopathy 1G (CMD1G). Identifiers: Orphanet 154, MedGen C1858763, MONDO:0011400, OMIM 604145.
Autosomal recessive limb-girdle muscular dystrophy type 2J (LGMDR10). Also called: MUSCULAR DYSTROPHY, LIMB-GIRDLE, AUTOSOMAL RECESSIVE 10; Limb-girdle muscular dystrophy, type 2J. Identifiers: Orphanet 140922, MedGen C1837342, MONDO:0012127, OMIM 608807.
TTN-related disorder. Also called: TTN-related disorders; TTN-related condition; TTN-related disease.
Cardiovascular phenotype. Identifiers: MedGen CN230736.

Allele frequency attached by ClinVar (database versions not stated): ExAC 0.00007; gnomAD 0.00029 and 0.00027; ESP Exome Variant Server 0.00033; gnomAD exomes 0.00005; 1000 Genomes Project 0.00020; TOPMed 0.00024; 1000 Genomes Project 30x 0.00031.
gnomAD v4.1: 74 of 1,613,396 alleles (0.0046%); highest among the groups gnomAD compares: African/African-American, 0.093%; no homozygotes.

Submissions (9):

PreventionGenetics, part of Exact Sciences
Classification: Uncertain significance for TTN-related condition. Last evaluated: 2026-03-26. Review status: criteria provided, single submitter. Criteria: ACMG Guidelines, 2015. Collection method: clinical testing. Allele origin: germline.
Comment: The TTN c.62317C>A variant is predicted to result in the amino acid substitution p.Leu20773Met. To our knowledge, this variant has not been reported in the literature. This variant is reported in 0.099% of alleles in individuals of African descent in gnomAD. Although we suspect that this variant may be benign, at this time, the clinical significance of this variant is uncertain due to the absence of conclusive functional and genetic evidence.

Revvity Omics, Revvity
Classification: Likely benign. Last evaluated: 2024-11-27. Review status: criteria provided, single submitter. Criteria: ACMG Guidelines, 2015. Collection method: clinical testing. Allele origin: germline.

ARUP Laboratories, Molecular Genetics and Genomics, ARUP Laboratories
Classification: Uncertain significance. Last evaluated: 2024-09-16. Review status: criteria provided, single submitter. Criteria: ARUP Molecular Germline Variant Investigation Process 2024. Collection method: clinical testing. Allele origin: germline.
Comment: The TTN variant c.62317C>A; p.Leu20773Met (rs375173874; ClinVar Variation ID: 202316) is rare in the general population (<0.2% allele frequency in the Genome Aggregation Database) and has not been reported in the medical literature in association with dilated cardiomyopathy (DCM) or other TTN-related disease. The clinical relevance of rare missense variants in this gene, which are identified on average once per individual sequenced in affected populations (Herman 2012), is not well understood. Yet, evidence suggests that the vast majority of such missense variants do not contribute to the clinical outcome of DCM (Begay 2015). Thus, the clinical significance of the p.Leu20773Met variant cannot be determined with certainty. References: Begay RL et al. Role of Titin Missense Variants in Dilated Cardiomyopathy. J Am Heart Assoc. 2015 Nov 13;4(11). PMID: 26567375. Herman DS et al. Truncations of titin causing dilated cardiomyopathy. N Engl J Med. 2012 Feb 16;366(7):619-28. PMID: 22335739. Linke WA and Hamdani N. Gigantic business: titin properties and function through thick and thin. Circ Res 2014; 114(6): 1052-1068. PMID: 24625729.

Blueprint Genetics
Classification: Likely benign. Last evaluated: 2024-03-14. Review status: criteria provided, single submitter. Criteria: ACMG Guidelines, 2015. Collection method: clinical testing. Allele origin: germline.

Women's Health and Genetics/Laboratory Corporation of America, LabCorp
Classification: Likely benign. Last evaluated: 2023-06-19. Review status: criteria provided, single submitter. Criteria: LabCorp Variant Classification Summary - May 2015. Collection method: clinical testing. Allele origin: germline.
Comment: Variant summary: TTN c.54613C>A (p.Leu18205Met) results in a conservative amino acid change located in the A-band region of the encoded protein sequence. Five of five in-silico tools predict a benign effect of the variant on protein function. The variant allele was found at a frequency of 9.7e-05 in 279510 control chromosomes, predominantly at a frequency of 0.00099 within the African or African-American subpopulation in the gnomAD database. The observed variant frequency within African or African-American control individuals in the gnomAD database is approximately 3 fold of the estimated maximal expected allele frequency for a pathogenic variant in TTN causing Dilated Cardiomyopathy phenotype (0.00039), strongly suggesting that the variant is a benign polymorphism found primarily in populations of African or African-American origin. To our knowledge, no occurrence of c.54613C>A in individuals affected with Dilated Cardiomyopathy and no experimental evidence demonstrating its impact on protein function have been reported. Five submitters have cited clinical-significance assessments for this variant to ClinVar after 2014. Multiple submitters reported the variant with conflicting assessments and classified as VUS (n=3) and likely benign (n=2). Based on the evidence outlined above, the variant was classified as likely benign.

GeneDx
Classification: Likely benign. Last evaluated: 2020-01-17. Review status: criteria provided, single submitter. Criteria: GeneDx Variant Classification Process June 2021. Collection method: clinical testing. Allele origin: germline. Affected: yes.

Ambry Genetics
Classification: Likely benign for Cardiovascular phenotype. Last evaluated: 2019-09-10. Review status: criteria provided, single submitter. Criteria: Ambry Variant Classification Scheme 2023. Collection method: clinical testing. Allele origin: germline.

Eurofins Ntd Llc (ga)
Classification: Uncertain significance. Last evaluated: 2017-12-14. Review status: criteria provided, single submitter. Criteria: EGL Classification Definitions 2015. Collection method: clinical testing. Allele origin: germline. Observed: 2 variant alleles, 2 heterozygotes.

Labcorp Genetics (formerly Invitae), Labcorp
Classification: Uncertain significance for Dilated cardiomyopathy 1G; Autosomal recessive limb-girdle muscular dystrophy type 2J. Last evaluated: 2017-12-06. Review status: criteria provided, single submitter. Criteria: Invitae Variant Classification Sherloc (09022015). Collection method: clinical testing. Allele origin: germline.